The following is an entry in ClinVar:

ClinVar aggregate classification (germline): Uncertain significance (1 of 4 stars; one submission).

Conditions:
Hereditary breast ovarian cancer syndrome. Also called: Hereditary breast and ovarian cancer; Hereditary breast and ovarian cancer syndrome (HBOC); Hereditary breast and/or ovarian cancer syndrome; Hereditary breast and ovarian cancer syndrome; Breast and ovarian cancer; BRCA1- and BRCA2-Associated Hereditary Breast and Ovarian Cancer. Identifiers: Orphanet 145, MedGen C0677776, MeSH D061325, MONDO:0003582. Disease mechanism: loss of function.

Submission:

Labcorp Genetics (formerly Invitae), Labcorp
Classification: Uncertain significance for Hereditary breast ovarian cancer syndrome. Last evaluated: 2024-02-17. Review status: criteria provided, single submitter. Criteria: Invitae Variant Classification Sherloc (09022015). Collection method: clinical testing. Allele origin: germline.
Comment: This sequence change replaces leucine, which is neutral and non-polar, with serine, which is neutral and polar, at codon 2898 of the BRCA2 protein (p.Leu2898Ser). This variant is not present in population databases (gnomAD no frequency). This variant has not been reported in the literature in individuals affected with BRCA2-related conditions. Advanced modeling performed at Invitae incorporating data from internal and/or published experimental studies (PMID: 33609447) indicates that this missense variant is not expected to disrupt BRCA2 function with a negative predictive value of 95%. In summary, the available evidence is currently insufficient to determine the role of this variant in disease. Therefore, it has been classified as a Variant of Uncertain Significance.

Literature cited by the submitters: PubMed 33609447.

NM_000059.4(BRCA2):c.8693T>C (p.Leu2898Ser)

Gene: BRCA2 (BRCA2 DNA repair associated; plus strand). Cytogenetic location: 13q13.1.
Variant type: single nucleotide variant.
Coding change: c.8693T>C on transcript NM_000059.4 (MANE Select); coding-DNA position 8693, T replaced by C.
Protein change: p.Leu2898Ser; replaces leucine 2898 with serine.
Molecular consequence: missense variant. On other transcripts: non-coding transcript variant (1).
Genome position (GRCh38, 1-based): chr13:32,376,730, T>C. VCF-style: chr13-32376730-T-C. GRCh37 (hg19) VCF-style: chr13-32950867-T-C.
Other names: c.8597T>C, p.Leu2866Ser (NM_001406719.1); c.8693T>C, p.Leu2898Ser (NM_001406720.1, NM_001432077.1); c.3761T>C, p.Leu1254Ser (NM_001406721.1); c.2276T>C, p.Leu759Ser (NM_001406722.1); short protein forms L1254S, L2866S, L2898S, L759S.
Identifiers: ClinVar variation 3620940 (VCV003620940.2).